The following is an entry in ClinVar:

NM_016529.6(ATP8A2):c.598T>G (p.Cys200Gly)

Gene: ATP8A2 (ATPase phospholipid transporting 8A2). Cytogenetic location: 13q12.13.
Variant type: single nucleotide variant.
Coding change: c.598T>G on transcript NM_016529.6 (MANE Select); coding-DNA position 598, T replaced by G.
Protein change: p.Cys200Gly; replaces cysteine 200 with glycine.
Molecular consequence: missense variant.
Genome position (GRCh38, 1-based): chr13:25,540,335, T>G. VCF-style: chr13-25540335-T-G. GRCh37 (hg19) VCF-style: chr13-26114473-T-G.
Other names: c.478T>G, p.Cys160Gly (NM_001313741.1); short protein forms C200G, C160G.
Identifiers: ClinVar variation 1523640 (VCV001523640.6), dbSNP rs1566241428, ClinGen allele CA387611761.

ClinVar aggregate classification (germline): Uncertain significance (1 of 4 stars; one submission).

Submission:

Labcorp Genetics (formerly Invitae), Labcorp
Classification: Uncertain significance. Last evaluated: 2024-10-22. Review status: criteria provided, single submitter. Criteria: Invitae Variant Classification Sherloc (09022015). Collection method: clinical testing. Allele origin: germline.
Comment: This sequence change replaces cysteine, which is neutral and slightly polar, with glycine, which is neutral and non-polar, at codon 200 of the ATP8A2 protein (p.Cys200Gly). This variant is not present in population databases (gnomAD no frequency). This variant has not been reported in the literature in individuals affected with ATP8A2-related conditions. ClinVar contains an entry for this variant (Variation ID: 1523640). Invitae Evidence Modeling of protein sequence and biophysical properties (such as structural, functional, and spatial information, amino acid conservation, physicochemical variation, residue mobility, and thermodynamic stability) indicates that this missense variant is not expected to disrupt ATP8A2 protein function with a negative predictive value of 80%. In summary, the available evidence is currently insufficient to determine the role of this variant in disease. Therefore, it has been classified as a Variant of Uncertain Significance.